The following is an entry in ClinVar:

NM_001267550.2(TTN):c.55781A>G (p.Asn18594Ser)

Genes: TTN (titin; minus strand), TTN-AS1 (TTN antisense RNA 1; plus strand). Cytogenetic location: 2q31.2.
Variant type: single nucleotide variant.
Coding change: c.55781A>G on transcript NM_001267550.2 (MANE Select); coding-DNA position 55781, A replaced by G.
Protein change: p.Asn18594Ser; replaces asparagine 18594 with serine.
Molecular consequence: missense variant.
Genome position (GRCh38, 1-based): chr2:178,601,123, T>C on the plus strand (A>G on the coding strand, the complement: TTN is on the minus strand). VCF-style: chr2-178601123-T-C. GRCh37 (hg19) VCF-style: chr2-179465850-T-C.
Other names: c.50858A>G, p.Asn16953Ser (NM_001256850.1); c.28586A>G, p.Asn9529Ser (NM_003319.4); c.48077A>G, p.Asn16026Ser (NM_133378.4); c.28961A>G, p.Asn9654Ser (NM_133432.3); c.29162A>G, p.Asn9721Ser (NM_133437.4); short protein forms N16026S, N16953S, N18594S, N9529S, N9654S, N9721S.
Identifiers: ClinVar variation 3368950 (VCV003368950.1).

ClinVar aggregate classification (germline): Uncertain significance (1 of 4 stars; one submission).

Submission:

GeneDx
Classification: Uncertain significance. Last evaluated: 2024-02-20. Review status: criteria provided, single submitter. Criteria: GeneDx Variant Classification Process June 2021. Collection method: clinical testing. Allele origin: germline. Affected: yes.
Comment: Not observed at significant frequency in large population cohorts (gnomAD); Missense variant in a gene in which most reported pathogenic variants are truncating/loss of function; Has not been previously published as pathogenic or benign to our knowledge